The following is an entry in ClinVar:

ClinVar aggregate classification (germline): Uncertain significance (1 of 4 stars; one submission).

Conditions:
Hereditary cancer-predisposing syndrome. Also called: Neoplastic Syndromes, Hereditary; Tumor predisposition; Hereditary neoplastic syndrome; Hereditary Cancer Syndrome. Identifiers: Orphanet 140162, MedGen C0027672, MeSH D009386, MONDO:0015356.

Allele frequency attached by ClinVar (database versions not stated): gnomAD exomes below 0.00001.
gnomAD v4.1: 1 of 1,614,010 alleles (0.000062%); highest among the groups gnomAD compares: Non-Finnish European, 0.000085%; no homozygotes.

Submission:

Ambry Genetics
Classification: Uncertain significance for Hereditary cancer-predisposing syndrome. Last evaluated: 2023-11-06. Review status: criteria provided, single submitter. Criteria: Ambry Variant Classification Scheme 2023. Collection method: clinical testing. Allele origin: germline.
Comment: The p.H388Q variant (also known as c.1164C>G), located in coding exon 9 of the APC gene, results from a C to G substitution at nucleotide position 1164. The histidine at codon 388 is replaced by glutamine, an amino acid with highly similar properties. This amino acid position is highly conserved in available vertebrate species. In addition, in silico predictors for this gene do not accurately predict pathogenicity. Since supporting evidence is limited at this time, the clinical significance of this alteration remains unclear.

NM_000038.6(APC):c.1164C>G (p.His388Gln)

Gene: APC (APC regulator of Wnt signaling pathway; plus strand). Cytogenetic location: 5q22.2.
Variant type: single nucleotide variant.
Coding change: c.1164C>G on transcript NM_000038.6 (MANE Select); coding-DNA position 1164, C replaced by G.
Protein change: p.His388Gln; replaces histidine 388 with glutamine.
Molecular consequence: missense variant. On other transcripts: non-coding transcript variant (2), intron variant (15).
Genome position (GRCh38, 1-based): chr5:112,819,196, C>G. VCF-style: chr5-112819196-C-G. GRCh37 (hg19) VCF-style: chr5-112154893-C-G.
Other names: c.1164C>G, p.His388Gln (NM_001127510.3, NM_001354895.2, NM_001354896.2 and 4 more transcripts); c.1110C>G, p.His370Gln (NM_001127511.3); c.1194C>G, p.His398Gln (NM_001354897.2, NM_001407446.1); c.1089C>G, p.His363Gln (NM_001354898.2, NM_001407451.1); c.1080C>G, p.His360Gln (NM_001354899.2, NM_001407452.1); c.987C>G, p.His329Gln (NM_001354900.2, NM_001354901.2, NM_001407453.1); c.315C>G, p.His105Gln (NM_001354906.2, NM_001407470.1); c.85-73C>G (NM_001407472.1, NM_001407471.1); and 5 more; short protein forms H105Q, H329Q, H360Q, H363Q, H370Q, H388Q, H398Q.
Identifiers: ClinVar variation 3231519 (VCV003231519.1), dbSNP rs2149781928, ClinGen allele CA16023853.